The following is an entry in ClinVar:

ClinVar aggregate classification (germline): Benign/Likely benign. Review status: criteria provided, multiple submitters, no conflicts (2 of 4 stars). 6 submissions from 6 submitters: Benign (2); Likely benign (4). Last evaluated 2025-06-24.

Conditions:
NSD1-related disorder. Also called: NSD1-related condition.
Sotos syndrome (SOTOS). Also called: Sotos' syndrome; CHROMOSOME 5q35 DELETION SYNDROME; CEREBRAL GIGANTISM; Distinctive facial appearance, overgrowth in childhood, and learning disabilities or delayed development; SOTOS SYNDROME 1. Identifiers: Orphanet 821, MedGen C0175695, MONDO:0019349, OMIM 117550.

Allele frequency attached by ClinVar (database versions not stated): ExAC 0.00002; TOPMed 0.00003; gnomAD 0.00005 and 0.00006; gnomAD exomes 0.00005; ESP Exome Variant Server 0.00008.
gnomAD v4.1: 77 of 1,614,064 alleles (0.0048%); highest among the groups gnomAD compares: Non-Finnish European, 0.0065%; no homozygotes.

Submissions (6):

Labcorp Genetics (formerly Invitae), Labcorp
Classification: Likely benign. Last evaluated: 2025-06-24. Review status: criteria provided, single submitter. Criteria: Invitae Variant Classification Sherloc (09022015). Collection method: clinical testing. Allele origin: germline.

PreventionGenetics, part of Exact Sciences
Classification: Likely benign for NSD1-related condition. Last evaluated: 2024-11-21. Review status: criteria provided, single submitter. Criteria: ACMG Guidelines, 2015. Collection method: clinical testing. Allele origin: germline.
Comment: This variant is classified as likely benign based on ACMG/AMP sequence variant interpretation guidelines (Richards et al. 2015 PMID: 25741868, with internal and published modifications).

Blueprint Genetics
Classification: Likely benign. Last evaluated: 2024-10-01. Review status: criteria provided, single submitter. Criteria: ACMG Guidelines, 2015. Collection method: clinical testing. Allele origin: germline.

CeGaT Center for Human Genetics Tuebingen
Classification: Likely benign. Last evaluated: 2022-08-01. Review status: criteria provided, single submitter. Criteria: CeGaT Center For Human Genetics Tuebingen Variant Classification Criteria Version 2. Collection method: clinical testing. Allele origin: germline. Affected: yes. Observed: 1 variant allele.
Comment: NSD1: BP4, BP7

Genome-Nilou Lab
Classification: Benign for Sotos syndrome. Last evaluated: 2021-07-15. Review status: criteria provided, single submitter. Criteria: ACMG Guidelines, 2015. Collection method: clinical testing. Allele origin: germline. Affected: no.

GeneDx
Classification: Benign. Last evaluated: 2015-09-18. Review status: criteria provided, single submitter. Criteria: GeneDx Variant Classification (06012015). Collection method: clinical testing. Allele origin: germline. Affected: yes.
Comment: This variant is considered likely benign or benign based on one or more of the following criteria: it is a conservative change, it occurs at a poorly conserved position in the protein, it is predicted to be benign by multiple in silico algorithms, and/or has population frequency not consistent with disease.

NM_022455.5(NSD1):c.2031T>G (p.Ser677=)

Gene: NSD1 (nuclear receptor binding SET domain protein 1; plus strand). Cytogenetic location: 5q35.3.
Variant type: single nucleotide variant.
Coding change: c.2031T>G on transcript NM_022455.5 (MANE Select); coding-DNA position 2031, T replaced by G.
Protein change: p.Ser677=; no amino-acid change (serine 677 retained).
Molecular consequence: synonymous variant.
Genome position (GRCh38, 1-based): chr5:177,210,430, T>G. VCF-style: chr5-177210430-T-G. GRCh37 (hg19) VCF-style: chr5-176637431-T-G.
Other names: c.1158T>G, p.Ser386= (NM_001365684.2, NM_001409306.1, NM_001409307.1 and 3 more transcripts); c.2031T>G, p.Ser677= (NM_001409301.1, NM_001409302.1, NM_001409303.1); c.1611T>G, p.Ser537= (NM_001409304.1); c.1278T>G, p.Ser426= (NM_001409305.1).
Identifiers: ClinVar variation 378303 (VCV000378303.43), dbSNP rs143705256, ClinGen allele CA3577186.